The following is an entry in ClinVar:

NM_019842.4(KCNQ5):c.1451C>T (p.Pro484Leu)

Gene: KCNQ5 (potassium voltage-gated channel subfamily Q member 5; plus strand). Cytogenetic location: 6q13.
Variant type: single nucleotide variant.
Coding change: c.1451C>T on transcript NM_019842.4 (MANE Select); coding-DNA position 1451, C replaced by T.
Protein change: p.Pro484Leu; replaces proline 484 with leucine.
Molecular consequence: missense variant. On other transcripts: intron variant (1).
Genome position (GRCh38, 1-based): chr6:73,133,624, C>T. VCF-style: chr6-73133624-C-T. GRCh37 (hg19) VCF-style: chr6-73843347-C-T.
Other names: c.1424C>T, p.Pro475Leu (NM_001160130.2); c.1481C>T, p.Pro494Leu (NM_001160132.2); c.1508C>T, p.Pro503Leu (NM_001160133.2); c.1247+9112C>T (NM_001160134.2); short protein forms P484L, P475L, P494L, P503L.
Identifiers: ClinVar variation 2803423 (VCV002803423.3), dbSNP rs779773194, ClinGen allele CA3887049.
Genomic context (GRCh38, chr6:73,133,624, plus strand): 5'-GCTGGAGCTTCAACGACCGAACCCGCTTCCGGCCCTCGCTGCGCCTCAAAAGTTCTCAGC[C>T]AAAACCAGTGATAGATGGTAAGCCCTGTTTTTCCATAACCATTTTTAATTGGATAGGCTA-3'
Protein context (NP_062816.2, residues 474-494): RPSLRLKSSQ[Pro484Leu]KPVIDADTAL

ClinVar aggregate classification (germline): Uncertain significance (1 of 4 stars; one submission).

Allele frequency attached by ClinVar (database versions not stated): gnomAD exomes below 0.00001; ExAC 0.00001.
gnomAD v4.1: 1 of 1,614,164 alleles (0.000062%); highest among the groups gnomAD compares: Non-Finnish European, 0.000085%; no homozygotes.

Submission:

Labcorp Genetics (formerly Invitae), Labcorp
Classification: Uncertain significance. Last evaluated: 2022-10-19. Review status: criteria provided, single submitter. Criteria: Invitae Variant Classification Sherloc (09022015). Collection method: clinical testing. Allele origin: germline.
Comment: This sequence change replaces proline, which is neutral and non-polar, with leucine, which is neutral and non-polar, at codon 503 of the KCNQ5 protein (p.Pro503Leu). This variant is present in population databases (rs779773194, gnomAD 0.0009%). This variant has not been reported in the literature in individuals affected with KCNQ5-related conditions. Advanced modeling of protein sequence and biophysical properties (such as structural, functional, and spatial information, amino acid conservation, physicochemical variation, residue mobility, and thermodynamic stability) performed at Invitae indicates that this missense variant is not expected to disrupt KCNQ5 protein function. In summary, the available evidence is currently insufficient to determine the role of this variant in disease. Therefore, it has been classified as a Variant of Uncertain Significance.